The following is an entry in ClinVar:

ClinVar aggregate classification (germline): Benign/Likely benign. Review status: criteria provided, multiple submitters, no conflicts (2 of 4 stars). 5 submissions from 5 submitters: Benign (1); Likely benign (2). 2 of the submissions do not count toward it. Last evaluated 2025-05-26.

Conditions:
Intellectual developmental disorder, X-linked 1. Also called: MENTAL RETARDATION, X-LINKED 18; MENTAL RETARDATION, X-LINKED 78; Atkin Flaitz Patil Smith syndrome; Intellectual disability, X-linked 1. Identifiers: Orphanet 777, MedGen C2931498, MONDO:0010656, OMIM 309530.

Allele frequency attached by ClinVar (database versions not stated): gnomAD 0.00006 and 0.00007; ExAC 0.00010; gnomAD exomes 0.00006 and 0.00007; TOPMed 0.00003.
gnomAD v4.1: 68 of 1,209,457 alleles (0.0056%); highest among the groups gnomAD compares: Non-Finnish European, 0.0075%; no homozygotes.

Submissions (5):

Labcorp Genetics (formerly Invitae), Labcorp
Classification: Benign for Intellectual developmental disorder, X-linked 1. Last evaluated: 2025-05-26. Review status: criteria provided, single submitter. Criteria: Invitae Variant Classification Sherloc (09022015). Collection method: clinical testing. Allele origin: germline.

Blueprint Genetics
Classification: Likely benign. Last evaluated: 2024-05-03. Review status: criteria provided, single submitter. Criteria: ACMG Guidelines, 2015. Collection method: clinical testing. Allele origin: germline.

GeneDx
Classification: Likely benign. Last evaluated: 2018-05-29. Review status: criteria provided, single submitter. Criteria: GeneDx Variant Classification (06012015). Collection method: clinical testing. Allele origin: germline. Affected: yes.
Comment: This variant is considered likely benign or benign based on one or more of the following criteria: it is a conservative change, it occurs at a poorly conserved position in the protein, it is predicted to be benign by multiple in silico algorithms, and/or has population frequency not consistent with disease.

Clinical Genetics DNA and cytogenetics Diagnostics Lab, Erasmus MC, Erasmus Medical Center
Classification: Likely benign. Review status: no assertion criteria provided. Collection method: clinical testing. Allele origin: germline. Affected: yes. Study: VKGL Data-share Consensus. Not counted in ClinVar's aggregate classification.

Genome Diagnostics Laboratory, University Medical Center Utrecht
Classification: Likely benign. Review status: no assertion criteria provided. Collection method: clinical testing. Allele origin: germline. Affected: yes. Study: VKGL Data-share Consensus. Not counted in ClinVar's aggregate classification.

NM_001111125.3(IQSEC2):c.3015+9A>G

Gene: IQSEC2 (IQ motif and Sec7 domain ArfGEF 2; minus strand). Cytogenetic location: Xp11.22.
Variant type: single nucleotide variant.
Coding change: c.3015+9A>G on transcript NM_001111125.3 (MANE Select); 9 bases into the intron after coding-DNA position 3015, A replaced by G.
Molecular consequence: intron variant.
Genome position (GRCh38, 1-based): chrX:53,241,775, T>C on the plus strand (A>G on the coding strand, the complement: IQSEC2 is on the minus strand). VCF-style: chrX-53241775-T-C. GRCh37 (hg19) VCF-style: chrX-53270957-T-C.
Other names: c.2400+9A>G (NM_015075.2).
Identifiers: ClinVar variation 668682 (VCV000668682.13), dbSNP rs781956154, ClinGen allele CA10419866.